The following is an entry in ClinVar:

ClinVar aggregate classification (germline): Uncertain significance (1 of 4 stars; one submission).

Allele frequency attached by ClinVar (database versions not stated): ExAC 0.00002; gnomAD exomes 0.00001.

Submission:

Labcorp Genetics (formerly Invitae), Labcorp
Classification: Uncertain significance. Last evaluated: 2021-08-26. Review status: criteria provided, single submitter. Criteria: Invitae Variant Classification Sherloc (09022015). Collection method: clinical testing. Allele origin: germline.
Comment: This sequence change replaces leucine with valine at codon 1654 of the CDH23 protein (p.Leu1654Val). The leucine residue is highly conserved and there is a small physicochemical difference between leucine and valine. This variant is present in population databases (rs753634681, ExAC 0.02%). This variant has not been reported in the literature in individuals affected with CDH23-related conditions. Algorithms developed to predict the effect of missense changes on protein structure and function are either unavailable or do not agree on the potential impact of this missense change (SIFT: "Deleterious"; PolyPhen-2: "Not Available"; Align-GVGD: "Class C25"). In summary, the available evidence is currently insufficient to determine the role of this variant in disease. Therefore, it has been classified as a Variant of Uncertain Significance.

NM_022124.6(CDH23):c.4960C>G (p.Leu1654Val)

Gene: CDH23 (cadherin related 23; plus strand). Cytogenetic location: 10q22.1.
Variant type: single nucleotide variant.
Coding change: c.4960C>G on transcript NM_022124.6 (MANE Select); coding-DNA position 4960, C replaced by G.
Protein change: p.Leu1654Val; replaces leucine 1654 with valine.
Molecular consequence: missense variant.
Genome position (GRCh38, 1-based): chr10:71,777,794, C>G. VCF-style: chr10-71777794-C-G. GRCh37 (hg19) VCF-style: chr10-73537551-C-G.
Other names: short protein forms L1654V.
Identifiers: ClinVar variation 1432984 (VCV001432984.5), dbSNP rs753634681, ClinGen allele CA5545595.